The following is an entry in ClinVar:

NM_024577.4(SH3TC2):c.2235T>G (p.Ala745=)

Gene: SH3TC2 (SH3 domain and tetratricopeptide repeats 2; minus strand). Cytogenetic location: 5q32.
Variant type: single nucleotide variant.
Coding change: c.2235T>G on transcript NM_024577.4 (MANE Select); coding-DNA position 2235, T replaced by G.
Protein change: p.Ala745=; no amino-acid change (alanine 745 retained).
Molecular consequence: synonymous variant.
Genome position (GRCh38, 1-based): chr5:149,027,497, A>C on the plus strand (T>G on the coding strand, the complement: SH3TC2 is on the minus strand). VCF-style: chr5-149027497-A-C. GRCh37 (hg19) VCF-style: chr5-148407060-A-C.
Other names: p.Ala745=.
Identifiers: ClinVar variation 351906 (VCV000351906.19), dbSNP rs78120278, ClinGen allele CA3499042.

ClinVar aggregate classification (germline): Benign/Likely benign. Review status: criteria provided, multiple submitters, no conflicts (2 of 4 stars). 7 submissions from 6 submitters: Benign (6); Likely benign (1). Last evaluated 2026-02-01.

Conditions:
Charcot-Marie-Tooth disease. Also called: Charcot-Marie-Tooth Neuropathy; Charcot-Marie-Tooth Hereditary Neuropathy. Identifiers: Orphanet 166, MedGen C0007959, MONDO:0015626.
Susceptibility to mononeuropathy of the median nerve, mild. Also called: CARPAL TUNNEL SYNDROME, SUSCEPTIBILITY TO. Identifiers: MedGen C3150596, MONDO:0013237, OMIM 613353.
Charcot-Marie-Tooth disease type 4C (CMT4C). Also called: Charcot-Marie-Tooth Neuropathy Type 4C (CMT4C); CHARCOT-MARIE-TOOTH DISEASE, DEMYELINATING, AUTOSOMAL RECESSIVE, TYPE 4C; SH3TC2-Related Hereditary Motor and Sensory Neuropathy; CMT 4C; CHARCOT-MARIE-TOOTH DISEASE, DEMYELINATING, TYPE 4C. Identifiers: Orphanet 99949, MedGen C1866636, MONDO:0011113, OMIM 601596.
Charcot-Marie-Tooth disease type 4. Also called: Charcot-Marie-Tooth, Type 4; Charcot-Marie-Tooth disease, type IV. Identifiers: Orphanet 64749, MedGen C4082197, MONDO:0018995.

Allele frequency attached by ClinVar (database versions not stated): gnomAD exomes 0.00293 and 0.00771; ExAC 0.00950; gnomAD 0.03110 and 0.03339; ESP Exome Variant Server 0.03414; 1000 Genomes Project 0.03474; TOPMed 0.03488; 1000 Genomes Project 30x 0.03763.
gnomAD v4.1: 9,205 of 1,614,190 alleles (0.57%); highest among the groups gnomAD compares: African/African-American, 11%; 452 homozygotes.

Submissions (7):

Labcorp Genetics (formerly Invitae), Labcorp
Classification: Benign for Charcot-Marie-Tooth disease type 4. Last evaluated: 2026-02-01. Review status: criteria provided, single submitter. Criteria: Invitae Variant Classification Sherloc (09022015). Collection method: clinical testing. Allele origin: germline.

Blueprint Genetics
Classification: Likely benign. Last evaluated: 2024-11-25. Review status: criteria provided, single submitter. Criteria: ACMG Guidelines, 2015. Collection method: clinical testing. Allele origin: germline.

Illumina Laboratory Services, Illumina
Classification: Benign for Charcot-Marie-Tooth disease type 4C. Last evaluated: 2018-01-13. Review status: criteria provided, single submitter. Criteria: ICSL Variant Classification Criteria 13 December 2019. Collection method: clinical testing. Allele origin: germline.
Comment: This variant was observed in the ICSL laboratory as part of a predisposition screen in an ostensibly healthy population. It had not been previously curated by ICSL or reported in the Human Gene Mutation Database (HGMD: prior to June 1st, 2018), and was therefore a candidate for classification through an automated scoring system. Utilizing variant allele frequency, disease prevalence and penetrance estimates, and inheritance mode, an automated score was calculated to assess if this variant is too frequent to cause the disease. Based on the score and internal cut-off values, a variant classified as benign is not then subjected to further curation. The score for this variant resulted in a classification of benign for this disease.

Illumina Laboratory Services, Illumina
Classification: Benign for Susceptibility to mononeuropathy of the median nerve, mild. Last evaluated: 2018-01-13. Review status: criteria provided, single submitter. Criteria: ICSL Variant Classification Criteria 13 December 2019. Collection method: clinical testing. Allele origin: germline.
Comment: the same text as in the submission from Illumina Laboratory Services, Illumina above.

Mayo Clinic Laboratories, Mayo Clinic
Classification: Benign. Last evaluated: 2016-07-01. Review status: criteria provided, single submitter. Criteria: ACMG Guidelines, 2015. Collection method: clinical testing. Allele origin: germline. Observed: 24 variant alleles.

GeneDx
Classification: Benign. Last evaluated: 2015-03-03. Review status: criteria provided, single submitter. Criteria: GeneDx Variant Classification Process June 2021. Collection method: clinical testing. Allele origin: germline. Affected: yes.

Molecular Genetics Laboratory, London Health Sciences Centre
Classification: Benign for Charcot-Marie-Tooth disease. Review status: criteria provided, single submitter. Criteria: ACMG Guidelines, 2015. Collection method: clinical testing. Allele origin: germline. Affected: yes.